The following is an entry in ClinVar:

ClinVar aggregate classification (germline): Likely benign (0 of 4 stars; one submission).

Conditions:
BRSK2-related disorder. Also called: BRSK2-related condition; BRSK2-Related Disorders.

gnomAD v4.1: 216 of 1,484,260 alleles (0.015%); highest among the groups gnomAD compares: African/African-American, 0.29%; no homozygotes.

Submission:

PreventionGenetics, part of Exact Sciences
Classification: Likely benign for BRSK2-related condition. Last evaluated: 2022-02-10. Review status: no assertion criteria provided. Collection method: clinical testing. Allele origin: germline.
Comment: This variant is classified as likely benign based on ACMG/AMP sequence variant interpretation guidelines (Richards et al. 2015 PMID: 25741868, with internal and published modifications).

NM_001256627.2(BRSK2):c.2186C>A (p.Pro729His)

Gene: BRSK2 (BR serine/threonine kinase 2; plus strand). Cytogenetic location: 11p15.5.
Variant type: single nucleotide variant.
Coding change: c.2186C>A on transcript NM_001256627.2 (MANE Select); coding-DNA position 2186, C replaced by A.
Protein change: p.Pro729His; replaces proline 729 with histidine.
Molecular consequence: missense variant. On other transcripts: intron variant (3).
Genome position (GRCh38, 1-based): chr11:1,460,698, C>A. VCF-style: chr11-1460698-C-A. GRCh37 (hg19) VCF-style: chr11-1481928-C-A.
Other names: c.2276C>A, p.Pro759His (NM_001256630.1); c.*10-272C>A (NM_001256629.2, NM_001282218.2); c.1988-272C>A (NM_003957.4); short protein forms P729H, P759H.
Identifiers: ClinVar variation 3033919 (VCV003033919.2), dbSNP rs755637455, ClinGen allele CA5811502.